The following is an entry in ClinVar:

ClinVar aggregate classification (germline): Benign. Review status: criteria provided, single submitter (1 of 4 stars). 2 submissions from 2 submitters: Benign (1). 1 of the submissions does not count toward it. Last evaluated 2018-12-31.

Conditions:
MSR1-related disorder. Also called: MSR1-related condition.

Allele frequency attached by ClinVar (database versions not stated): TOPMed 0.00006; gnomAD 0.00016; gnomAD exomes 0.00383; ExAC 0.00424; 1000 Genomes Project 30x 0.00531; 1000 Genomes Project 0.00599.
gnomAD v4.1: 2,886 of 1,614,146 alleles (0.18%); highest among the groups gnomAD compares: South Asian, 3%; 47 homozygotes.

Submissions (2):

Labcorp Genetics (formerly Invitae), Labcorp
Classification: Benign. Last evaluated: 2018-12-31. Review status: criteria provided, single submitter. Criteria: Invitae Variant Classification Sherloc (09022015). Collection method: clinical testing. Allele origin: germline.

PreventionGenetics, part of Exact Sciences
Classification: Benign for MSR1-related condition. Last evaluated: 2019-06-21. Review status: no assertion criteria provided. Collection method: clinical testing. Allele origin: germline. Not counted in ClinVar's aggregate classification.
Comment: This variant is classified as benign based on ACMG/AMP sequence variant interpretation guidelines (Richards et al. 2015 PMID: 25741868, with internal and published modifications).

NM_138715.3(MSR1):c.542T>A (p.Ile181Lys)

Gene: MSR1 (macrophage scavenger receptor 1; minus strand). Cytogenetic location: 8p22.
Variant type: single nucleotide variant.
Coding change: c.542T>A on transcript NM_138715.3 (MANE Select); coding-DNA position 542, T replaced by A.
Protein change: p.Ile181Lys; replaces isoleucine 181 with lysine.
Molecular consequence: missense variant.
Genome position (GRCh38, 1-based): chr8:16,168,546, A>T on the plus strand (T>A on the coding strand, the complement: MSR1 is on the minus strand). VCF-style: chr8-16168546-A-T. GRCh37 (hg19) VCF-style: chr8-16026055-A-T.
Other names: c.596T>A, p.Ile199Lys (NM_001363744.1); c.542T>A, p.Ile181Lys (NM_002445.4, NM_138716.3); short protein forms I199K, I181K.
Identifiers: ClinVar variation 729324 (VCV000729324.5), dbSNP rs377134001, ClinGen allele CA4641275.